The following is an entry in ClinVar:

ClinVar aggregate classification (germline): Uncertain significance (1 of 4 stars; one submission).

Submission:

Labcorp Genetics (formerly Invitae), Labcorp
Classification: Uncertain significance. Last evaluated: 2023-07-12. Review status: criteria provided, single submitter. Criteria: Invitae Variant Classification Sherloc (09022015). Collection method: clinical testing. Allele origin: germline.
Comment: This sequence change replaces aspartic acid, which is acidic and polar, with tyrosine, which is neutral and polar, at codon 1154 of the CARMIL2 protein (p.Asp1154Tyr). This variant is not present in population databases (gnomAD no frequency). This variant has not been reported in the literature in individuals affected with CARMIL2-related conditions. Advanced modeling of protein sequence and biophysical properties (such as structural, functional, and spatial information, amino acid conservation, physicochemical variation, residue mobility, and thermodynamic stability) performed at Invitae indicates that this missense variant is not expected to disrupt CARMIL2 protein function. In summary, the available evidence is currently insufficient to determine the role of this variant in disease. Therefore, it has been classified as a Variant of Uncertain Significance.

NM_001013838.3(CARMIL2):c.3460G>T (p.Asp1154Tyr)

Gene: CARMIL2 (capping protein regulator and myosin 1 linker 2; plus strand). Cytogenetic location: 16q22.1.
Variant type: single nucleotide variant.
Coding change: c.3460G>T on transcript NM_001013838.3 (MANE Select); coding-DNA position 3460, G replaced by T.
Protein change: p.Asp1154Tyr; replaces aspartic acid 1154 with tyrosine.
Molecular consequence: missense variant.
Genome position (GRCh38, 1-based): chr16:67,654,570, G>T. VCF-style: chr16-67654570-G-T. GRCh37 (hg19) VCF-style: chr16-67688473-G-T.
Other names: c.3352G>T, p.Asp1118Tyr (NM_001317026.3); short protein forms D1118Y, D1154Y.
Identifiers: ClinVar variation 2870620 (VCV002870620.3), dbSNP rs2543578198, ClinGen allele CA396344984.